The following is an entry in ClinVar:

ClinVar aggregate classification (germline): Pathogenic (1 of 4 stars; one submission).

Conditions:
Inborn genetic diseases. Identifiers: MedGen C0950123, MeSH D030342.

Submission:

Ambry Genetics
Classification: Pathogenic for Inborn genetic diseases. Last evaluated: 2024-01-08. Review status: criteria provided, single submitter. Criteria: Ambry Variant Classification Scheme 2023. Collection method: clinical testing. Allele origin: germline.
Comment: The c.3692delC (p.P1231Hfs*33) alteration, located in exon 23 (coding exon 23) of the KDM5C gene, consists of a deletion of one nucleotide at position 3692, causing a translational frameshift with a predicted alternate stop codon after 33 amino acids. This alteration is expected to result in loss of function by premature protein truncation or nonsense-mediated mRNA decay. This variant was not reported in population-based cohorts in the Genome Aggregation Database (gnomAD). Based on the available evidence, this alteration is classified as pathogenic.

NM_004187.5(KDM5C):c.3692del (p.Pro1231fs)

Gene: KDM5C (lysine demethylase 5C; minus strand). Cytogenetic location: Xp11.22.
Variant type: Deletion.
Coding change: c.3692del on transcript NM_004187.5 (MANE Select); coding-DNA position 3692, one base deleted (C; older notation c.3692delC).
Protein change: p.Pro1231fs; shifts the reading frame from proline 1231.
Molecular consequence: frameshift variant. On other transcripts: non-coding transcript variant (3).
Genome position (GRCh38, 1-based): chrX:53,194,485, G deleted on the plus strand (C on the coding strand, the reverse complement: KDM5C is on the minus strand); the first of 4 consecutive G bases (chrX:53,194,485-53,194,488); deleting any one gives the same sequence. VCF-style (leftmost placement, unchanged base first): chrX-53194484-TG-T. GRCh37 (hg19) VCF-style: chrX-53223666-TG-T.
Other names: c.3491del, p.Pro1164fs (NM_001146702.2); c.3689del, p.Pro1230fs (NM_001282622.3, NM_001353979.2, NM_001353982.2); c.3692del, p.Pro1231fs (NM_001353978.3, NM_001353981.2, NM_001353984.2); short protein forms P1164fs, P1230fs, P1231fs.
Identifiers: ClinVar variation 3113872 (VCV003113872.1), dbSNP rs2519374784, ClinGen allele CA2693787260.